The following is an entry in ClinVar:

ClinVar aggregate classification (germline): Pathogenic/Likely pathogenic. Review status: criteria provided, multiple submitters, no conflicts (2 of 4 stars). 7 submissions from 7 submitters: Pathogenic (6); Likely pathogenic (1). Last evaluated 2025-03-18.

Conditions:
ATP7B-related disorder. Also called: ATP7B-related condition.
Wilson disease (WND). Also called: Wilson's disease. Identifiers: Orphanet 905, MedGen C0019202, MONDO:0010200, OMIM 277900. Disease mechanism: loss of function.

Allele frequency attached by ClinVar (database versions not stated): ExAC 0.00002; gnomAD exomes 0.00003; gnomAD 0.00004.
gnomAD v4.1: 26 of 1,614,058 alleles (0.0016%); highest among the groups gnomAD compares: Non-Finnish European, 0.000085%; no homozygotes.

Submissions (7):

Variantyx, Inc.
Classification: Pathogenic for Wilson disease. Last evaluated: 2025-03-18. Review status: criteria provided, single submitter. Criteria: Variantyx Assertion Criteria 2022. Collection method: clinical testing. Allele origin: germline.
Comment: This is a nonsense variant in the ATP7B gene (OMIM: 606882). Pathogenic variants in this gene have been associated with autosomal recessive Wilson disease. This variant introduces a premature termination codon in exon 4 out of 21. It is expected to result in loss of function, which is a known disease mechanism for ATP7B in this disorder (PVS1). This variant has been identified in the homozygous or compound heterozygous state in at least 1 individual(s) from the published literature (PMID: 8980283) (PM3_Supporting). This variant has a 0.0002% maximum allele frequency in non-founder control populations (PM2_Supporting). Based on the current evidence, this variant is classified as pathogenic for autosomal recessive Wilson disease.

Natera, Inc.
Classification: Likely pathogenic for Wilson disease. Last evaluated: 2024-07-10. Review status: criteria provided, single submitter. Criteria: Natera Variant Classification Schema (03/2026). Collection method: clinical testing. Allele origin: germline.
Comment: The c.1630C>T variant in ATP7B is a nonsense variant predicted to introduce a stop codon at amino acid 544. This variant is expected to result in nonsense mediated decay, truncation, or a dysfunctional protein product. This variant is rare in the general population with a frequency below the threshold expected for the associated phenotype(s). Given the available evidence, this variant is classified as Likely Pathogenic.

All of Us Research Program, National Institutes of Health
Classification: Pathogenic for Wilson disease. Last evaluated: 2023-10-30. Review status: criteria provided, single submitter. Criteria: ACMG Guidelines, 2015. Collection method: clinical testing. Allele origin: germline. Inheritance: Autosomal recessive inheritance. Observed: 1 variant allele, 1 heterozygote.
Comment: This variant is predicted to result in loss of protein function through nonsense-mediated decay or protein truncation. Loss of function is an established mechanism of disease. This variant was detected in multiple affected individuals as homozygous or as compound heterozygous (in trans) with another ATP7B variant, which is consistent with autosomal recessive inheritance (PMID: 8980283, 31708252, 33043080). This variant is rare in large population databases, including the Genome Aggregation Database.

This study involves interpretation of variants in research participants for the purpose of population health screening. Participant phenotype was not available at the time of variant classification. Additional details can be found in publication PMID: 35346344, PMCID: PMC8962531

Labcorp Genetics (formerly Invitae), Labcorp
Classification: Pathogenic for Wilson disease. Last evaluated: 2022-05-04. Review status: criteria provided, single submitter. Criteria: Invitae Variant Classification Sherloc (09022015). Collection method: clinical testing. Allele origin: germline.
Comment: For these reasons, this variant has been classified as Pathogenic. ClinVar contains an entry for this variant (Variation ID: 981099). This premature translational stop signal has been observed in individual(s) with Wilson disease (PMID: 8980283, 31708252). This variant is present in population databases (rs766906034, gnomAD 0.03%). This sequence change creates a premature translational stop signal (p.Gln544*) in the ATP7B gene. It is expected to result in an absent or disrupted protein product. Loss-of-function variants in ATP7B are known to be pathogenic (PMID: 10441329, 16283883).

Blueprint Genetics
Classification: Pathogenic for ATP7B-related disorders. Last evaluated: 2022-04-28. Review status: criteria provided, single submitter. Criteria: ACMG Guidelines, 2015. Collection method: clinical testing. Allele origin: germline. Affected: yes. Observed: 5 variant alleles.

Genome-Nilou Lab
Classification: Pathogenic for Wilson disease. Last evaluated: 2021-08-10. Review status: criteria provided, single submitter. Criteria: ACMG Guidelines, 2015. Collection method: clinical testing. Allele origin: germline. Affected: no.

Women's Health and Genetics/Laboratory Corporation of America, LabCorp
Classification: Pathogenic for Wilson disease. Last evaluated: 2020-09-28. Review status: criteria provided, single submitter. Criteria: LabCorp Variant Classification Summary - May 2015. Collection method: clinical testing. Allele origin: germline.
Comment: Variant summary: ATP7B c.1630C>T (p.Gln544X) results in a premature termination codon, predicted to cause a truncation of the encoded protein or absence of the protein due to nonsense mediated decay, which are commonly known mechanisms for disease. Truncations downstream of this position have been classified as pathogenic by our laboratory. The variant allele was found at a frequency of 2.8e-05 in 249480 control chromosomes. c.1630C>T has been reported in the literature in individuals affected with Wilson Disease (example, Kemppainnen_1997, Przbylkowski_2014, Ferenci_2019, Balashova_2020, Singh_2019, Li_2013). These data indicate that the variant is likely to be associated with disease. To our knowledge, no experimental evidence demonstrating an impact on protein function has been reported. No clinical diagnostic laboratories have submitted clinical-significance assessments for this variant to ClinVar after 2014. Based on the evidence outlined above, the variant was classified as pathogenic.

Literature cited by the submitters: PubMed 8980283 (cited by 3 submitters); PubMed 31708252 (cited by 3 submitters); PubMed 33043080 (cited by All of Us Research Program, National Institutes of Health); PubMed 10441329 (cited by Labcorp Genetics (formerly Invitae), Labcorp); PubMed 16283883 (cited by Labcorp Genetics (formerly Invitae), Labcorp); PubMed 23235335 (cited by Women's Health and Genetics/Laboratory Corporation of America, LabCorp); PubMed 30232804 (cited by Women's Health and Genetics/Laboratory Corporation of America, LabCorp); PubMed 31059521 (cited by Women's Health and Genetics/Laboratory Corporation of America, LabCorp); PubMed 25014046 (cited by Women's Health and Genetics/Laboratory Corporation of America, LabCorp).

NM_000053.4(ATP7B):c.1630C>T (p.Gln544Ter)

Gene: ATP7B (ATPase copper transporting beta; minus strand). Cytogenetic location: 13q14.3.
Variant type: single nucleotide variant.
Coding change: c.1630C>T on transcript NM_000053.4 (MANE Select); coding-DNA position 1630, C replaced by T.
Protein change: p.Gln544Ter; replaces glutamine 544 with a stop codon.
Molecular consequence: nonsense.
Genome position (GRCh38, 1-based): chr13:51,968,521, G>A on the plus strand (C>T on the coding strand, the complement: ATP7B is on the minus strand). VCF-style: chr13-51968521-G-A. GRCh37 (hg19) VCF-style: chr13-52542657-G-A.
Other names: c.1630C>T, p.Gln544Ter (NM_001005918.3, NM_001330578.2, NM_001330579.2); c.1297C>T, p.Gln433Ter (NM_001243182.2); short protein forms Q433*, Q544*.
Identifiers: ClinVar variation 981099 (VCV000981099.14), dbSNP rs766906034, ClinGen allele CA6989287.